The following is an entry in ClinVar:

ClinVar aggregate classification (germline): Uncertain significance. Review status: criteria provided, multiple submitters, no conflicts (2 of 4 stars). 2 submissions from 2 submitters: Uncertain significance (2). Last evaluated 2025-06-08.

Conditions:
Colorectal cancer, hereditary nonpolyposis, type 7. Identifiers: Orphanet 144, MedGen C1858380, MONDO:0013725, OMIM 614385.

Submissions (2):

Ambry Genetics
Classification: Uncertain significance. Last evaluated: 2025-06-08. Review status: criteria provided, single submitter. Criteria: Ambry Variant Classification Scheme 2023. Collection method: clinical testing. Allele origin: germline.
Comment: The p.P566H variant (also known as c.1697C>A), located in coding exon 1 of the MLH3 gene, results from a C to A substitution at nucleotide position 1697. The proline at codon 566 is replaced by histidine, an amino acid with similar properties. This amino acid position is conserved. In addition, this alteration is predicted to be tolerated by in silico analysis. Based on the available evidence, the clinical significance of this variant remains unclear.

Labcorp Genetics (formerly Invitae), Labcorp
Classification: Uncertain significance for Colorectal cancer, hereditary nonpolyposis, type 7. Last evaluated: 2023-01-11. Review status: criteria provided, single submitter. Criteria: Invitae Variant Classification Sherloc (09022015). Collection method: clinical testing. Allele origin: germline.
Comment: In summary, the available evidence is currently insufficient to determine the role of this variant in disease. Therefore, it has been classified as a Variant of Uncertain Significance. Algorithms developed to predict the effect of missense changes on protein structure and function are either unavailable or do not agree on the potential impact of this missense change (SIFT: "Deleterious"; PolyPhen-2: "Possibly Damaging"; Align-GVGD: "Class C0"). This variant has not been reported in the literature in individuals affected with MLH3-related conditions. This variant is not present in population databases (gnomAD no frequency). This sequence change replaces proline, which is neutral and non-polar, with histidine, which is basic and polar, at codon 566 of the MLH3 protein (p.Pro566His).

NM_001040108.2(MLH3):c.1697C>A (p.Pro566His)

Gene: MLH3 (mutL homolog 3; minus strand). Cytogenetic location: 14q24.3.
Variant type: single nucleotide variant.
Coding change: c.1697C>A on transcript NM_001040108.2 (MANE Select); coding-DNA position 1697, C replaced by A.
Protein change: p.Pro566His; replaces proline 566 with histidine.
Molecular consequence: missense variant.
Genome position (GRCh38, 1-based): chr14:75,047,959, G>T on the plus strand (C>A on the coding strand, the complement: MLH3 is on the minus strand). VCF-style: chr14-75047959-G-T. GRCh37 (hg19) VCF-style: chr14-75514662-G-T.
Other names: c.1697C>A, p.Pro566His (NM_014381.3); short protein forms P566H.
Identifiers: ClinVar variation 2783522 (VCV002783522.4), dbSNP rs2139578093, ClinGen allele CA390444609.